The following is an entry in ClinVar:

NM_012108.4(STAP1):c.154A>G (p.Thr52Ala)

Gene: STAP1 (signal transducing adaptor family member 1; plus strand). Cytogenetic location: 4q13.2.
Variant type: single nucleotide variant.
Coding change: c.154A>G on transcript NM_012108.4 (MANE Select); coding-DNA position 154, A replaced by G.
Protein change: p.Thr52Ala; replaces threonine 52 with alanine.
Molecular consequence: missense variant.
Genome position (GRCh38, 1-based): chr4:67,571,117, A>G. VCF-style: chr4-67571117-A-G. GRCh37 (hg19) VCF-style: chr4-68436835-A-G.
Other names: c.154A>G, p.Thr52Ala (NM_001317769.2); short protein forms T52A.
Identifiers: ClinVar variation 3226187 (VCV003226187.1), dbSNP rs1366754640, ClinGen allele CA357046618.

ClinVar aggregate classification (germline): Uncertain significance (1 of 4 stars; one submission).

Allele frequency attached by ClinVar (database versions not stated): gnomAD 0.00001; gnomAD exomes 0.00001; TOPMed 0.00001.
gnomAD v4.1: 12 of 1,611,630 alleles (0.00074%); highest among the groups gnomAD compares: Admixed American, 0.0017%; no homozygotes.

Submission:

Ambry Genetics
Classification: Uncertain significance. Last evaluated: 2023-10-05. Review status: criteria provided, single submitter. Criteria: Ambry Variant Classification Scheme 2023. Collection method: clinical testing. Allele origin: germline.
Comment: The p.T52A variant (also known as c.154A>G), located in coding exon 2 of the STAP1 gene, results from an A to G substitution at nucleotide position 154. The threonine at codon 52 is replaced by alanine, an amino acid with similar properties. This amino acid position is conserved. In addition, this alteration is predicted to be tolerated by in silico analysis. Since supporting evidence is limited at this time, the clinical significance of this alteration remains unclear.